The following is an entry in ClinVar:

ClinVar aggregate classification (germline): Uncertain significance. Review status: criteria provided, multiple submitters, no conflicts (2 of 4 stars). 2 submissions from 2 submitters: Uncertain significance (2). Last evaluated 2025-11-09.

Conditions:
Lysinuric protein intolerance (LPI). Identifiers: Orphanet 470, MedGen C0268647, MONDO:0009109, OMIM 222700.

Allele frequency attached by ClinVar (database versions not stated): gnomAD 0.00001.
gnomAD v4.1: 41 of 1,614,060 alleles (0.0025%); highest among the groups gnomAD compares: Non-Finnish European, 0.0035%; no homozygotes.

Submissions (2):

Labcorp Genetics (formerly Invitae), Labcorp
Classification: Uncertain significance for Lysinuric protein intolerance. Last evaluated: 2025-11-09. Review status: criteria provided, single submitter. Criteria: Invitae Variant Classification Sherloc (09022015). Collection method: clinical testing. Allele origin: germline.
Comment: This sequence change replaces leucine, which is neutral and non-polar, with glutamine, which is neutral and polar, at codon 33 of the SLC7A7 protein (p.Leu33Gln). This variant is present in population databases (no rsID available, gnomAD 0.007%). This variant has not been reported in the literature in individuals affected with SLC7A7-related conditions. ClinVar contains an entry for this variant (Variation ID: 2141776). An algorithm developed to predict the effect of missense changes on protein structure and function (PolyPhen-2) suggests that this variant is likely to be disruptive. In summary, the available evidence is currently insufficient to determine the role of this variant in disease. Therefore, it has been classified as a Variant of Uncertain Significance.

Mayo Clinic Laboratories, Mayo Clinic
Classification: Uncertain significance. Last evaluated: 2024-04-16. Review status: criteria provided, single submitter. Criteria: ACMG Guidelines, 2015. Collection method: clinical testing. Allele origin: germline. Observed: 1 variant allele.
Comment: PP3, PM2

NM_003982.4(SLC7A7):c.98T>A (p.Leu33Gln)

Genes: SLC7A7 (solute carrier family 7 member 7; minus strand), LOC130055323 (ATAC-STARR-seq lymphoblastoid silent region 5589; plus strand). Cytogenetic location: 14q11.2.
Variant type: single nucleotide variant.
Coding change: c.98T>A on transcript NM_003982.4 (MANE Select); coding-DNA position 98, T replaced by A.
Protein change: p.Leu33Gln; replaces leucine 33 with glutamine.
Molecular consequence: missense variant.
Genome position (GRCh38, 1-based): chr14:22,813,301, A>T on the plus strand (T>A on the coding strand, the complement: SLC7A7 is on the minus strand). VCF-style: chr14-22813301-A-T. GRCh37 (hg19) VCF-style: chr14-23282510-A-T.
Other names: p.Leu33Gln; c.98T>A, p.Leu33Gln (NM_001126105.3, NM_001126106.4); short protein forms L33Q.
Identifiers: ClinVar variation 2141776 (VCV002141776.3), dbSNP rs1040738469, ClinGen allele CA257714962.
Genomic context (GRCh38, chr14:22,813,301, plus strand): 5'-GAGCCGATCATGTTCCCCACAATCAGGCACACGCCGTTAAGCAGTGAGATCTCCTTCTTC[A>T]GCTTCACCTGCTCCGGCCCTGGGCTGGCCCCATCACCCAAAGGGGAGGTTTCCACCTCAG-3'
Protein context (NP_003973.3, residues 23-43): GASPGPEQVK[Leu33Gln]KKEISLLNGV